The following is an entry in ClinVar:

ClinVar aggregate classification (germline): Uncertain significance. Review status: criteria provided, multiple submitters, no conflicts (2 of 4 stars). 2 submissions from 2 submitters: Uncertain significance (2). Last evaluated 2024-05-21.

Conditions:
Van Maldergem syndrome 2 (VMLDS2). Identifiers: Orphanet 314679, MedGen C3809875, MONDO:0014242, OMIM 615546.
Hennekam lymphangiectasia-lymphedema syndrome 2 (HKLLS2). Identifiers: Orphanet 2136, MedGen C4014939, MONDO:0014454, OMIM 616006.

Allele frequency attached by ClinVar (database versions not stated): gnomAD exomes below 0.00001; gnomAD 0.00001; TOPMed 0.00001.
gnomAD v4.1: 2 of 1,613,880 alleles (0.00012%); highest among the groups gnomAD compares: African/African-American, 0.0027%; no homozygotes.

Submissions (2):

Fulgent Genetics
Classification: Uncertain significance for Van Maldergem syndrome 2; Hennekam lymphangiectasia-lymphedema syndrome 2. Last evaluated: 2024-05-21. Review status: criteria provided, single submitter. Criteria: ACMG Guidelines, 2015. Collection method: clinical testing. Allele origin: germline.

GeneDx
Classification: Uncertain significance. Last evaluated: 2022-07-05. Review status: criteria provided, single submitter. Criteria: GeneDx Variant Classification Process June 2021. Collection method: clinical testing. Allele origin: germline. Affected: yes.
Comment: Not observed at significant frequency in large population cohorts (gnomAD); In silico analysis supports that this missense variant has a deleterious effect on protein structure/function; Has not been previously published as pathogenic or benign to our knowledge

NM_001291303.3(FAT4):c.6394C>A (p.Pro2132Thr)

Gene: FAT4 (FAT atypical cadherin 4; plus strand). Cytogenetic location: 4q28.1.
Variant type: single nucleotide variant.
Coding change: c.6394C>A on transcript NM_001291303.3 (MANE Select); coding-DNA position 6394, C replaced by A.
Protein change: p.Pro2132Thr; replaces proline 2132 with threonine.
Molecular consequence: missense variant.
Genome position (GRCh38, 1-based): chr4:125,415,357, C>A. VCF-style: chr4-125415357-C-A. GRCh37 (hg19) VCF-style: chr4-126336512-C-A.
Other names: c.6394C>A, p.Pro2132Thr (NM_001291285.3, NM_024582.6); c.6394C>A (NM_024582.5); short protein forms P2132T.
Identifiers: ClinVar variation 1810722 (VCV001810722.2), dbSNP rs1213048957, ClinGen allele CA358129292.